The following is an entry in ClinVar:

NM_000179.3(MSH6):c.3949_3950del (p.Gly1316_His1317insTer)

Gene: MSH6 (mutS homolog 6; plus strand). Cytogenetic location: 2p16.3.
Variant type: Deletion.
Coding change: c.3949_3950del on transcript NM_000179.3 (MANE Select); coding-DNA positions 3949 to 3950, 2 bases deleted (CA; older notation c.3949_3950delCA).
Protein change: p.Gly1316_His1317insTer.
Molecular consequence: nonsense. On other transcripts: frameshift variant (1), non-coding transcript variant (5), intron variant (1).
Genome position (GRCh38, 1-based): chr2:47,806,599-47,806,600, CA deleted; deleting any 2 consecutive bases within chr2:47,806,598-47,806,600 gives the same sequence; the c. name uses the placement nearest the transcript's 3' end. VCF-style (leftmost placement, unchanged base first): chr2-47806597-GAC-G. GRCh37 (hg19) VCF-style: chr2-48033736-GAC-G.
Other names: c.3559_3560del, p.Gly1186_His1187insTer (NM_001281492.2); c.3043_3044del, p.Gly1014_His1015insTer (NM_001281493.2, NM_001281494.2, NM_001406811.1 and 6 more transcripts); c.4045_4046del, p.Gly1348_His1349insTer (NM_001406795.1); c.3949_3950del, p.Gly1316_His1317insTer (NM_001406796.1, NM_001406808.1, NM_001406809.1); c.3652_3653del, p.Gly1217_His1218insTer (NM_001406797.1, NM_001406801.1, NM_001406805.1 and 10 more transcripts); c.3775_3776del, p.Gly1258_His1259insTer (NM_001406798.1); c.3424_3425del, p.Gly1141_His1142insTer (NM_001406799.1, NM_001406806.1, NM_001406807.1); c.3936_3937del, p.Ile1313fs (NM_001406800.1); and 9 more; short protein forms I1313fs.
Identifiers: ClinVar variation 2673715 (VCV002673715.1), dbSNP rs2530873835, ClinGen allele CA2695200523.
Genomic context (GRCh38, chr2:47,806,597, plus strand): 5'-AAAGCTATGGCTTTAATGCAGCAAGGCTTGCTAATCTCCCAGAGGAAGTTATTCAAAAGG[GAC>G]ATAGAAAAGCAAGAGAATTTGAGAAGATGAATCAGTCACTACGATTATTTCGGTAACTAA-3'

ClinVar aggregate classification (germline): Pathogenic (1 of 4 stars; one submission).

Conditions:
Lynch syndrome 5 (LYNCH5). Also called: Colorectal cancer, hereditary nonpolyposis, type 5; Hereditary non-polyposis colorectal cancer, type 5. Identifiers: Orphanet 144, MedGen C1833477, MONDO:0013710, OMIM 614350. Disease mechanism: loss of function.

Submission:

Myriad Genetics, Inc.
Classification: Pathogenic for Lynch syndrome 5. Last evaluated: 2023-08-28. Review status: criteria provided, single submitter. Criteria: Myriad Autosomal Dominant, Autosomal Recessive and X-Linked Classification Criteria (2023). Collection method: clinical testing. Allele origin: unknown.
Comment: This variant is considered pathogenic. This variant creates a termination codon and is predicted to result in premature protein truncation.